The following is an entry in ClinVar:

ClinVar aggregate classification (germline): Uncertain significance. Review status: criteria provided, multiple submitters, no conflicts (2 of 4 stars). 3 submissions from 3 submitters: Uncertain significance (3). Last evaluated 2022-06-27.

Conditions:
Inborn genetic diseases. Identifiers: MedGen C0950123, MeSH D030342.
Brown-Vialetto-van Laere syndrome 1. Also called: BROWN-VIALETTO-VAN LAERE SYNDROME 1, MILD; BULBAR PALSY, PROGRESSIVE, WITH SENSORINEURAL DEAFNESS; PONTOBULBAR PALSY WITH DEAFNESS. Identifiers: Orphanet 572550, Orphanet 97229, MedGen C0796274, MONDO:0024537, OMIM 211530.

Allele frequency attached by ClinVar (database versions not stated): gnomAD exomes 0.00001; gnomAD 0.00001; TOPMed 0.00002.
gnomAD v4.1: 14 of 1,613,960 alleles (0.00087%); highest among the groups gnomAD compares: East Asian, 0.0022%; no homozygotes.

Submissions (3):

Labcorp Genetics (formerly Invitae), Labcorp
Classification: Uncertain significance for Brown-Vialetto-van Laere syndrome 1. Last evaluated: 2022-06-27. Review status: criteria provided, single submitter. Criteria: Invitae Variant Classification Sherloc (09022015). Collection method: clinical testing. Allele origin: germline.
Comment: This sequence change replaces glycine, which is neutral and non-polar, with serine, which is neutral and polar, at codon 162 of the SLC52A3 protein (p.Gly162Ser). This variant is present in population databases (no rsID available, gnomAD 0.01%). This variant has not been reported in the literature in individuals affected with SLC52A3-related conditions. ClinVar contains an entry for this variant (Variation ID: 1187396). Algorithms developed to predict the effect of missense changes on protein structure and function are either unavailable or do not agree on the potential impact of this missense change (SIFT: "Tolerated"; PolyPhen-2: "Probably Damaging"; Align-GVGD: "Class C0"). In summary, the available evidence is currently insufficient to determine the role of this variant in disease. Therefore, it has been classified as a Variant of Uncertain Significance.

GeneDx
Classification: Uncertain significance. Last evaluated: 2020-07-21. Review status: criteria provided, single submitter. Criteria: GeneDx Variant Classification Process June 2021. Collection method: clinical testing. Allele origin: germline. Affected: yes.
Comment: Not observed at a significant frequency in large population cohorts (Lek et al., 2016); Has not been previously published as pathogenic or benign to our knowledge

Ambry Genetics
Classification: Uncertain significance for Inborn genetic diseases. Last evaluated: 2019-09-18. Review status: criteria provided, single submitter. Criteria: Ambry Variant Classification Scheme 2023. Collection method: clinical testing. Allele origin: germline.
Comment: The p.G162S variant (also known as c.484G>A), located in coding exon 1 of the SLC52A3 gene, results from a G to A substitution at nucleotide position 484. The glycine at codon 162 is replaced by serine, an amino acid with similar properties. This amino acid position is highly conserved in available vertebrate species. In addition, this alteration is predicted to be deleterious by in silico analysis. Since supporting evidence is limited at this time, the clinical significance of this alteration remains unclear.

NM_033409.4(SLC52A3):c.484G>A (p.Gly162Ser)

Gene: SLC52A3 (solute carrier family 52 member 3; minus strand). Cytogenetic location: 20p13.
Variant type: single nucleotide variant.
Coding change: c.484G>A on transcript NM_033409.4 (MANE Select); coding-DNA position 484, G replaced by A.
Protein change: p.Gly162Ser; replaces glycine 162 with serine.
Molecular consequence: missense variant.
Genome position (GRCh38, 1-based): chr20:765,291, C>T on the plus strand (G>A on the coding strand, the complement: SLC52A3 is on the minus strand). VCF-style: chr20-765291-C-T. GRCh37 (hg19) VCF-style: chr20-745935-C-T.
Other names: c.484G>A, p.Gly162Ser (NM_001370085.1, NM_001370086.1); short protein forms G162S.
Identifiers: ClinVar variation 1187396 (VCV001187396.7), dbSNP rs896950205, ClinGen allele CA310678985.